The following is an entry in ClinVar:

ClinVar aggregate classification (germline): Likely pathogenic. Review status: criteria provided, multiple submitters, no conflicts (2 of 4 stars). 2 submissions from 2 submitters: Likely pathogenic (2). Last evaluated 2025-05-30.

Conditions:
Normal pressure hydrocephalus. Identifiers: MedGen C0020258, MONDO:0009366, OMIM 236690, HP:0002343.
Spermatogenic failure 19. Identifiers: MedGen C4539818, MONDO:0054723, OMIM 617592.

Submissions (2):

First Genomix Gene Laboratory, Genetic Diagnostics Department
Classification: Likely pathogenic for Spermatogenic failure 19. Last evaluated: 2025-05-30. Review status: criteria provided, single submitter. Criteria: ACMG Guidelines, 2015. Collection method: clinical testing. Allele origin: germline. Inheritance: Autosomal recessive inheritance. Affected: no. Observed: 1 variant allele.

Department of Pathology and Laboratory Medicine, Sinai Health System
Classification: Likely pathogenic for Normal pressure hydrocephalus; Spermatogenic failure 19. Last evaluated: 2022-11-11. Review status: criteria provided, single submitter. Criteria: ACMG Guidelines, 2015. Collection method: research. Allele origin: germline.

NM_025145.7(CFAP43):c.3749del (p.Thr1250fs)

Gene: CFAP43 (cilia and flagella associated protein 43; minus strand). Cytogenetic location: 10q25.1.
Variant type: Deletion.
Coding change: c.3749del on transcript NM_025145.7 (MANE Select); coding-DNA position 3749, one base deleted (C; older notation c.3749delC).
Protein change: p.Thr1250fs; shifts the reading frame from threonine 1250.
Molecular consequence: frameshift variant.
Genome position (GRCh38, 1-based): chr10:104,147,910, G deleted on the plus strand (C on the coding strand, the reverse complement: CFAP43 is on the minus strand). VCF-style (leftmost placement, unchanged base first): chr10-104147909-TG-T. GRCh37 (hg19) VCF-style: chr10-105907667-TG-T.
Other names: c.3749delC (NM_025145.7); short protein forms T1250fs.
Identifiers: ClinVar variation 3893050 (VCV003893050.2).